The following is an entry in ClinVar:

NM_003737.4(DCHS1):c.5027C>T (p.Pro1676Leu)

Gene: DCHS1 (dachsous cadherin-related 1; minus strand). Cytogenetic location: 11p15.4.
Variant type: single nucleotide variant.
Coding change: c.5027C>T on transcript NM_003737.4 (MANE Select); coding-DNA position 5027, C replaced by T.
Protein change: p.Pro1676Leu; replaces proline 1676 with leucine.
Molecular consequence: missense variant.
Genome position (GRCh38, 1-based): chr11:6,629,680, G>A on the plus strand (C>T on the coding strand, the complement: DCHS1 is on the minus strand). VCF-style: chr11-6629680-G-A. GRCh37 (hg19) VCF-style: chr11-6650911-G-A.
Other names: short protein forms P1676L.
Identifiers: ClinVar variation 1985267 (VCV001985267.4), dbSNP rs771353498, ClinGen allele CA5860212.

ClinVar aggregate classification (germline): Uncertain significance (1 of 4 stars; one submission).

Allele frequency attached by ClinVar (database versions not stated): TOPMed below 0.00001; gnomAD exomes 0.00001; ExAC 0.00003.

Submission:

Labcorp Genetics (formerly Invitae), Labcorp
Classification: Uncertain significance. Last evaluated: 2022-09-15. Review status: criteria provided, single submitter. Criteria: Invitae Variant Classification Sherloc (09022015). Collection method: clinical testing. Allele origin: germline.
Comment: This variant has not been reported in the literature in individuals affected with DCHS1-related conditions. This variant is present in population databases (rs771353498, gnomAD 0.02%). This sequence change replaces proline, which is neutral and non-polar, with leucine, which is neutral and non-polar, at codon 1676 of the DCHS1 protein (p.Pro1676Leu). Advanced modeling of protein sequence and biophysical properties (such as structural, functional, and spatial information, amino acid conservation, physicochemical variation, residue mobility, and thermodynamic stability) performed at Invitae indicates that this missense variant is not expected to disrupt DCHS1 protein function. In summary, the available evidence is currently insufficient to determine the role of this variant in disease. Therefore, it has been classified as a Variant of Uncertain Significance.